The following is an entry in ClinVar:

ClinVar aggregate classification (germline): Uncertain significance (1 of 4 stars; one submission).

Conditions:
Kleefstra syndrome 1 (KLEFS1). Identifiers: Orphanet 261494, MedGen C0795833, MONDO:0027407, OMIM 610253.

Allele frequency attached by ClinVar (database versions not stated): gnomAD exomes below 0.00001.
gnomAD v4.1: 2 of 1,613,842 alleles (0.00012%); highest among the groups gnomAD compares: Non-Finnish European, 0.00017%; no homozygotes.

Submission:

Labcorp Genetics (formerly Invitae), Labcorp
Classification: Uncertain significance for Kleefstra syndrome 1. Last evaluated: 2022-04-30. Review status: criteria provided, single submitter. Criteria: Invitae Variant Classification Sherloc (09022015). Collection method: clinical testing. Allele origin: germline.
Comment: In summary, the available evidence is currently insufficient to determine the role of this variant in disease. Therefore, it has been classified as a Variant of Uncertain Significance. Algorithms developed to predict the effect of missense changes on protein structure and function are either unavailable or do not agree on the potential impact of this missense change (SIFT: "Deleterious"; PolyPhen-2: "Possibly Damaging"; Align-GVGD: "Class C0"). This variant has not been reported in the literature in individuals affected with EHMT1-related conditions. This variant is not present in population databases (gnomAD no frequency). This sequence change replaces alanine, which is neutral and non-polar, with threonine, which is neutral and polar, at codon 726 of the EHMT1 protein (p.Ala726Thr).

NM_024757.5(EHMT1):c.2176G>A (p.Ala726Thr)

Gene: EHMT1 (euchromatic histone lysine methyltransferase 1; plus strand). Cytogenetic location: 9q34.3.
Variant type: single nucleotide variant.
Coding change: c.2176G>A on transcript NM_024757.5 (MANE Select); coding-DNA position 2176, G replaced by A.
Protein change: p.Ala726Thr; replaces alanine 726 with threonine.
Molecular consequence: missense variant.
Genome position (GRCh38, 1-based): chr9:137,778,039, G>A. VCF-style: chr9-137778039-G-A. GRCh37 (hg19) VCF-style: chr9-140672491-G-A.
Other names: c.2176G>A, p.Ala726Thr (NM_001145527.2); c.2083G>A, p.Ala695Thr (NM_001354259.2); c.2155G>A, p.Ala719Thr (NM_001354263.2); short protein forms A695T, A719T, A726T.
Identifiers: ClinVar variation 1930111 (VCV001930111.5), dbSNP rs2136713290, ClinGen allele CA375779315.